The following is an entry in ClinVar:

NM_000136.3(FANCC):c.-79+206_-79+219del

Genes: FANCC (FA complementation group C; minus strand), LOC130002128 (ATAC-STARR-seq lymphoblastoid silent region 20064; plus strand). Cytogenetic location: 9q22.32.
Variant type: Deletion.
Coding change: c.-79+206_-79+219del on transcript NM_000136.3 (MANE Select); bases 206 to 219 of the intron after 79 bases upstream of the start codon, 14 bases deleted (CGGGAGGCGGAAGG).
Molecular consequence: intron variant.
Genome position (GRCh38, 1-based): chr9:95,317,307-95,317,320, CCTTCCGCCTCCCG deleted on the plus strand (CGGGAGGCGGAAGG on the coding strand, the reverse complement: FANCC is on the minus strand); deleting any 14 consecutive bases within chr9:95,317,307-95,317,323 gives the same sequence; the c. name uses the placement nearest the transcript's 3' end. VCF-style (leftmost placement, unchanged base first): chr9-95317306-ACCTTCCGCCTCCCG-A. GRCh37 (hg19) VCF-style: chr9-98079588-ACCTTCCGCCTCCCG-A.
Other names: c.-79+206_-79+219del (NM_001243744.2).
Identifiers: ClinVar variation 679762 (VCV000679762.1), dbSNP rs775559260, ClinGen allele CA196952446.

ClinVar aggregate classification (germline): Benign (1 of 4 stars; one submission).

Submission:

GeneDx
Classification: Benign. Last evaluated: 2018-06-15. Review status: criteria provided, single submitter. Criteria: GeneDx Variant Classification (06012015). Collection method: clinical testing. Allele origin: germline. Affected: yes.
Comment: This variant is considered likely benign or benign based on one or more of the following criteria: it is a conservative change, it occurs at a poorly conserved position in the protein, it is predicted to be benign by multiple in silico algorithms, and/or has population frequency not consistent with disease.